The following is an entry in ClinVar:

ClinVar aggregate classification (germline): Benign/Likely benign. Review status: criteria provided, multiple submitters, no conflicts (2 of 4 stars). 3 submissions from 3 submitters: Benign (1); Likely benign (2). Last evaluated 2024-04-11.

Conditions:
Hereditary cancer-predisposing syndrome. Also called: Neoplastic Syndromes, Hereditary; Tumor predisposition; Hereditary Cancer Syndrome; Hereditary neoplastic syndrome. Identifiers: Orphanet 140162, MedGen C0027672, MeSH D009386, MONDO:0015356.
Familial adenomatous polyposis 1 (FAP1). Also called: FAMILIAL ADENOMATOUS POLYPOSIS 1, ATTENUATED; POLYPOSIS, ADENOMATOUS INTESTINAL. Identifiers: MedGen C2713442, MONDO:0021056, OMIM 175100. Disease mechanism: loss of function.

gnomAD v4.1: 1 of 1,613,760 alleles (0.000062%); no homozygotes.

Submissions (3):

Myriad Genetics, Inc.
Classification: Benign for Familial adenomatous polyposis 1. Last evaluated: 2024-04-11. Review status: criteria provided, single submitter. Criteria: Myriad Autosomal Dominant, Autosomal Recessive and X-Linked Classification Criteria (2023). Collection method: clinical testing. Allele origin: unknown.
Comment: This variant is considered benign. This variant is a silent/synonymous amino acid change and it is not expected to impact splicing.

Labcorp Genetics (formerly Invitae), Labcorp
Classification: Likely benign for Familial adenomatous polyposis 1. Last evaluated: 2023-12-15. Review status: criteria provided, single submitter. Criteria: Invitae Variant Classification Sherloc (09022015). Collection method: clinical testing. Allele origin: germline.

Ambry Genetics
Classification: Likely benign for Hereditary cancer-predisposing syndrome. Last evaluated: 2022-06-04. Review status: criteria provided, single submitter. Criteria: Ambry Variant Classification Scheme 2023. Collection method: clinical testing. Allele origin: germline.

NM_000038.6(APC):c.7866C>G (p.Pro2622=)

Gene: APC (APC regulator of Wnt signaling pathway; plus strand). Cytogenetic location: 5q22.2.
Variant type: single nucleotide variant.
Coding change: c.7866C>G on transcript NM_000038.6 (MANE Select); coding-DNA position 7866, C replaced by G.
Protein change: p.Pro2622=; no amino-acid change (proline 2622 retained).
Molecular consequence: synonymous variant. On other transcripts: non-coding transcript variant (2).
Genome position (GRCh38, 1-based): chr5:112,843,460, C>G. VCF-style: chr5-112843460-C-G. GRCh37 (hg19) VCF-style: chr5-112179157-C-G.
Other names: c.7866C>G, p.Pro2622= (NM_001127510.3, NM_001354895.2, NM_001407450.1); c.7812C>G, p.Pro2604= (NM_001127511.3); c.7920C>G, p.Pro2640= (NM_001354896.2, NM_001407447.1, NM_001407448.1 and 1 more transcripts); c.7896C>G, p.Pro2632= (NM_001354897.2); c.7791C>G, p.Pro2597= (NM_001354898.2); c.7782C>G, p.Pro2594= (NM_001354899.2); c.7743C>G, p.Pro2581= (NM_001354900.2); c.7689C>G, p.Pro2563= (NM_001354901.2, NM_001407453.1); and 11 more.
Identifiers: ClinVar variation 1760936 (VCV001760936.6), dbSNP rs1580687418, ClinGen allele CA446210923.